The following is an entry in ClinVar:

NM_001330617.2(ZNF17):c.1803T>G (p.Ser601Arg)

Gene: ZNF17 (zinc finger protein 17; plus strand). Cytogenetic location: 19q13.43.
Variant type: single nucleotide variant.
Coding change: c.1803T>G on transcript NM_001330617.2 (MANE Select); coding-DNA position 1803, T replaced by G.
Protein change: p.Ser601Arg; replaces serine 601 with arginine.
Molecular consequence: missense variant.
Genome position (GRCh38, 1-based): chr19:57,421,289, T>G. VCF-style: chr19-57421289-T-G. GRCh37 (hg19) VCF-style: chr19-57932657-T-G.
Other names: c.1797T>G, p.Ser599Arg (NM_006959.3); c.1803T>G (NM_001330617.1); short protein forms S599R, S601R.
Identifiers: ClinVar variation 2350139 (VCV002350139.4), dbSNP rs200916920, ClinGen allele CA9698817.

ClinVar aggregate classification (germline): Uncertain significance. Review status: criteria provided, single submitter (1 of 4 stars). 2 submissions from 2 submitters: Uncertain significance (1). 1 of the submissions does not count toward it. Last evaluated 2025-02-21.

Conditions:
ZNF17-related disorder. Also called: ZNF17-related condition.

Allele frequency attached by ClinVar (database versions not stated): 1000 Genomes Project 30x 0.00016; 1000 Genomes Project 0.00020; ExAC 0.00022; ESP Exome Variant Server 0.00023; gnomAD 0.00034; TOPMed 0.00035; gnomAD exomes 0.00058.
gnomAD v4.1: 899 of 1,613,572 alleles (0.056%); highest among the groups gnomAD compares: Non-Finnish European, 0.072%; no homozygotes.

Submissions (2):

Ambry Genetics
Classification: Uncertain significance. Last evaluated: 2025-02-21. Review status: criteria provided, single submitter. Criteria: Ambry Variant Classification Scheme 2023. Collection method: clinical testing. Allele origin: germline.

PreventionGenetics, part of Exact Sciences
Classification: Likely benign for ZNF17-related condition. Last evaluated: 2024-03-25. Review status: no assertion criteria provided. Collection method: clinical testing. Allele origin: germline. Not counted in ClinVar's aggregate classification.
Comment: This variant is classified as likely benign based on ACMG/AMP sequence variant interpretation guidelines (Richards et al. 2015 PMID: 25741868, with internal and published modifications).